The following is an entry in ClinVar:

NM_000070.3(CAPN3):c.946-1_948del

Gene: CAPN3 (calpain 3; plus strand). Cytogenetic location: 15q15.1.
Variant type: Deletion.
Coding change: c.946-1_948del on transcript NM_000070.3 (MANE Select); the canonical splice acceptor site of the intron before coding-DNA position 946 through coding-DNA position 948, 4 bases deleted (GACA; older notation c.946-1_948delGACA).
Molecular consequence: splice acceptor variant.
Genome position (GRCh38, 1-based): chr15:42,392,638-42,392,641, GACA deleted; deleting any 4 consecutive bases within chr15:42,392,635-42,392,641 gives the same sequence; the c. name uses the placement nearest the transcript's 3' end. VCF-style (leftmost placement, unchanged base first): chr15-42392634-TACAG-T. GRCh37 (hg19) VCF-style: chr15-42684832-TACAG-T.
Other names: c.946-4_946-1delACAG (NM_000070.2); c.946-1_948del (NM_024344.2); c.802-1_804del (NM_173087.2).
Identifiers: ClinVar variation 497002 (VCV000497002.16), dbSNP rs766156798, ClinGen allele CA7511198.

ClinVar aggregate classification (germline): Pathogenic. Review status: criteria provided, multiple submitters, no conflicts (2 of 4 stars). 5 submissions from 5 submitters: Pathogenic (4). 1 of the submissions does not count toward it. Last evaluated 2025-02-26.

Conditions:
Autosomal recessive limb-girdle muscular dystrophy type 2A (LGMDR1). Also called: Limb-girdle muscular dystrophy, type 2A; Calpainopathy; Muscular dystrophy, limb-girdle, type 2A, Amish; LEYDEN-MOEBIUS MUSCULAR DYSTROPHY; MUSCULAR DYSTROPHY, PELVOFEMORAL. Identifiers: Orphanet 267, MedGen C1869123, MONDO:0009675, OMIM 253600. Disease mechanism: loss of function.

Submissions (5):

Natera, Inc.
Classification: Pathogenic for Limb-girdle muscular dystrophy type 2A. Last evaluated: 2025-02-26. Review status: criteria provided, single submitter. Criteria: Natera Variant Classification Schema (03/2026). Collection method: clinical testing. Allele origin: germline.
Comment: The c.946-1_948delGACA variant in CAPN3 is a canonical splice acceptor site variant predicted to affect pre-mRNA splicing, which may result in an abnormal transcript and altered protein product. This variant is expected to result in nonsense mediated decay, truncation, or a dysfunctional protein product. This variant is rare in the general population with a frequency below the threshold expected for the associated phenotype(s). This variant has been observed in one or more individuals affected with the associated recessive disease, as either homozygous or compound heterozygous with a second variant (PMID: 37900180, 30665423, 19556129). Another variant at this same site results in an alteration predicted to cause a similar molecular effect has been observed in individual(s) with the associated phenotype. Given the available evidence, this variant is classified as Pathogenic.

Labcorp Genetics (formerly Invitae), Labcorp
Classification: Pathogenic for Autosomal recessive limb-girdle muscular dystrophy type 2A. Last evaluated: 2023-04-27. Review status: criteria provided, single submitter. Criteria: Invitae Variant Classification Sherloc (09022015). Collection method: clinical testing. Allele origin: germline.
Comment: ClinVar contains an entry for this variant (Variation ID: 497002). For these reasons, this variant has been classified as Pathogenic. Algorithms developed to predict the effect of sequence changes on RNA splicing suggest that this variant may disrupt the consensus splice site. This variant is also known as c.946-4_946-1del. Disruption of this splice site has been observed in individual(s) with autosomal recessive limb-girdle muscular dystrophy (PMID: 19556129; Invitae). This variant is present in population databases (rs766156798, gnomAD 0.006%). This sequence change affects a splice site in intron 6 of the CAPN3 gene. It is expected to disrupt RNA splicing. Variants that disrupt the donor or acceptor splice site typically lead to a loss of protein function (PMID: 16199547), and loss-of-function variants in CAPN3 are known to be pathogenic (PMID: 10330340, 15689361).

Revvity Omics, Revvity
Classification: Pathogenic. Last evaluated: 2020-08-18. Review status: criteria provided, single submitter. Criteria: ACMG Guidelines, 2015. Collection method: clinical testing. Allele origin: germline.

Eurofins Ntd Llc (ga)
Classification: Pathogenic. Last evaluated: 2016-12-12. Review status: criteria provided, single submitter. Criteria: EGL Classification Definitions 2015. Collection method: clinical testing. Allele origin: germline. Observed: 3 variant alleles, 3 heterozygotes.

Counsyl
Classification: Likely pathogenic for Autosomal recessive limb-girdle muscular dystrophy type 2A. Last evaluated: 2017-09-16. Review status: no assertion criteria provided. Collection method: clinical testing. Allele origin: unknown. Not counted in ClinVar's aggregate classification.

Literature cited by the submitters: PubMed 37900180 (cited by Natera, Inc.); PubMed 30665423 (cited by Natera, Inc.); PubMed 19556129 (cited by Natera, Inc. and Labcorp Genetics (formerly Invitae), Labcorp); PubMed 16199547 (cited by Labcorp Genetics (formerly Invitae), Labcorp); PubMed 10330340 (cited by Labcorp Genetics (formerly Invitae), Labcorp); PubMed 15689361 (cited by Labcorp Genetics (formerly Invitae), Labcorp).